The following is an entry in ClinVar:

ClinVar aggregate classification (germline): Uncertain significance (1 of 4 stars; one submission).

Conditions:
Vici syndrome (VICIS). Identifiers: Orphanet 1493, MedGen C1855772, MONDO:0009452, OMIM 242840.

Allele frequency attached by ClinVar (database versions not stated): gnomAD exomes below 0.00001.
gnomAD v4.1: 1 of 1,614,186 alleles (0.000062%); highest among the groups gnomAD compares: Admixed American, 0.0017%; no homozygotes.

Submission:

Labcorp Genetics (formerly Invitae), Labcorp
Classification: Uncertain significance for Vici syndrome. Last evaluated: 2022-02-23. Review status: criteria provided, single submitter. Criteria: Invitae Variant Classification Sherloc (09022015). Collection method: clinical testing. Allele origin: germline.
Comment: In summary, the available evidence is currently insufficient to determine the role of this variant in disease. Therefore, it has been classified as a Variant of Uncertain Significance. Algorithms developed to predict the effect of missense changes on protein structure and function are either unavailable or do not agree on the potential impact of this missense change (SIFT: "Tolerated"; PolyPhen-2: "Probably Damaging"; Align-GVGD: "Class C0"). This variant has not been reported in the literature in individuals affected with EPG5-related conditions. This variant is present in population databases (no rsID available, gnomAD 0.003%). This sequence change replaces valine, which is neutral and non-polar, with glutamic acid, which is acidic and polar, at codon 231 of the EPG5 protein (p.Val231Glu).

NM_020964.3(EPG5):c.692T>A (p.Val231Glu)

Gene: EPG5 (ectopic P-granules 5 autophagy tethering factor; minus strand). Cytogenetic location: 18q21.1.
Variant type: single nucleotide variant.
Coding change: c.692T>A on transcript NM_020964.3 (MANE Select); coding-DNA position 692, T replaced by A.
Protein change: p.Val231Glu; replaces valine 231 with glutamic acid.
Molecular consequence: missense variant.
Genome position (GRCh38, 1-based): chr18:45,954,710, A>T on the plus strand (T>A on the coding strand, the complement: EPG5 is on the minus strand). VCF-style: chr18-45954710-A-T. GRCh37 (hg19) VCF-style: chr18-43534676-A-T.
Other names: c.692T>A, p.Val231Glu (NM_001410858.1, NM_001410859.1); short protein forms V231E.
Identifiers: ClinVar variation 2102653 (VCV002102653.4), dbSNP rs1298870369, ClinGen allele CA402351175.